The following is an entry in ClinVar:

ClinVar aggregate classification (germline): Pathogenic. Review status: reviewed by expert panel (3 of 4 stars). 4 submissions from 4 submitters: Pathogenic (1). 3 of the submissions do not count toward it. Last evaluated 2016-09-08.

Conditions:
Hereditary cancer-predisposing syndrome. Also called: Tumor predisposition; Hereditary Cancer Syndrome; Neoplastic Syndromes, Hereditary; Hereditary neoplastic syndrome. Identifiers: Orphanet 140162, MedGen C0027672, MeSH D009386, MONDO:0015356.
Breast-ovarian cancer, familial, susceptibility to, 2 (BROVCA2). Also called: BRCA2 Hereditary Breast and Ovarian Cancer. Identifiers: Orphanet 145, MedGen C2675520, MONDO:0012933, OMIM 612555. Disease mechanism: loss of function.

Submissions (4):

Evidence-based Network for the Interpretation of Germline Mutant Alleles (ENIGMA)
Classification: Pathogenic for Breast-ovarian cancer, familial, susceptibility to, 2. Last evaluated: 2016-09-08. Review status: reviewed by expert panel. Criteria: ENIGMA BRCA1/2 Classification Criteria (2015). Collection method: curation. Allele origin: germline.
Comment: Variant allele predicted to encode a truncated non-functional protein.

Ambry Genetics
Classification: Pathogenic for Hereditary cancer-predisposing syndrome. Last evaluated: 2024-05-13. Review status: criteria provided, single submitter. Criteria: Ambry Variant Classification Scheme 2023. Collection method: clinical testing. Allele origin: germline. Not counted in ClinVar's aggregate classification.
Comment: The c.754_755delGA pathogenic mutation, located in coding exon 8 of the BRCA2 gene, results from a deletion of two nucleotides at nucleotide positions 754 to 755, causing a translational frameshift with a predicted alternate stop codon (p.D252Qfs*2). This variant is considered to be rare based on population cohorts in the Genome Aggregation Database (gnomAD). This alteration is expected to result in loss of function by premature protein truncation or nonsense-mediated mRNA decay. As such, this alteration is interpreted as a disease-causing mutation.

Myriad Genetics, Inc.
Classification: Pathogenic for Breast-ovarian cancer, familial, susceptibility to, 2. Last evaluated: 2024-01-09. Review status: criteria provided, single submitter. Criteria: Myriad Autosomal Dominant, Autosomal Recessive and X-Linked Classification Criteria (2023). Collection method: clinical testing. Allele origin: unknown. Not counted in ClinVar's aggregate classification.
Comment: This variant is considered pathogenic. This variant creates a frameshift predicted to result in premature protein truncation.

Consortium of Investigators of Modifiers of BRCA1/2 (CIMBA), c/o University of Cambridge
Classification: Pathogenic for Breast-ovarian cancer, familial, susceptibility to, 2. Last evaluated: 2015-10-02. Review status: criteria provided, single submitter. Criteria: CIMBA Mutation Classification guidelines May 2016. Collection method: clinical testing. Allele origin: germline. Not counted in ClinVar's aggregate classification.

NM_000059.4(BRCA2):c.754_755del (p.Asp252fs)

Gene: BRCA2 (BRCA2 DNA repair associated; plus strand). Cytogenetic location: 13q13.1.
Variant type: Deletion.
Coding change: c.754_755del on transcript NM_000059.4 (MANE Select); coding-DNA positions 754 to 755, 2 bases deleted (GA; older notation c.754_755delGA).
Protein change: p.Asp252fs; shifts the reading frame from aspartic acid 252.
Molecular consequence: frameshift variant.
Genome position (GRCh38, 1-based): chr13:32,330,991-32,330,992, GA deleted; deleting any 2 consecutive bases within chr13:32,330,990-32,330,992 gives the same sequence; the c. name uses the placement nearest the transcript's 3' end. VCF-style (leftmost placement, unchanged base first): chr13-32330989-CAG-C. GRCh37 (hg19) VCF-style: chr13-32905126-CAG-C.
Other names: c.754_755delGA (NM_000059.3).
Identifiers: ClinVar variation 254482 (VCV000254482.7), dbSNP rs886038056, ClinGen allele CA10586485.